The following is an entry in ClinVar:

ClinVar aggregate classification (germline): Conflicting classifications of pathogenicity. Review status: criteria provided, conflicting classifications (1 of 4 stars). 5 submissions from 5 submitters: Uncertain significance (4); Likely benign (1). Last evaluated 2026-04-22.

Conditions:
DIAPH3-related disorder. Also called: DIAPH3-related condition.
Hearing impairment. Also called: Impaired Hearing. Identifiers: MedGen C1384666, MONDO:0005365, HP:0000365.

Allele frequency attached by ClinVar (database versions not stated): gnomAD 0.00018 and 0.00019; TOPMed 0.00021; ExAC 0.00024.
gnomAD v4.1: 248 of 1,611,492 alleles (0.015%); highest among the groups gnomAD compares: Middle Eastern, 0.58%; 1 homozygote.

Submissions (5):

PreventionGenetics, part of Exact Sciences
Classification: Uncertain significance for DIAPH3-related condition. Last evaluated: 2026-04-22. Review status: criteria provided, single submitter. Criteria: ACMG Guidelines, 2015. Collection method: clinical testing. Allele origin: germline.
Comment: The DIAPH3 c.1291A>G variant is predicted to result in the amino acid substitution p.Thr431Ala. To our knowledge, this variant has not been reported in the literature. This variant is reported in 0.036% of alleles in individuals of South Asian descent in gnomAD. Although we suspect that this variant may be benign, at this time, the clinical significance of this variant is uncertain due to the absence of conclusive functional and genetic evidence.

Labcorp Genetics (formerly Invitae), Labcorp
Classification: Uncertain significance. Last evaluated: 2025-06-27. Review status: criteria provided, single submitter. Criteria: Invitae Variant Classification Sherloc (09022015). Collection method: clinical testing. Allele origin: germline.
Comment: This sequence change replaces threonine, which is neutral and polar, with alanine, which is neutral and non-polar, at codon 431 of the DIAPH3 protein (p.Thr431Ala). This variant is present in population databases (rs746390263, gnomAD 0.03%). This variant has not been reported in the literature in individuals affected with DIAPH3-related conditions. ClinVar contains an entry for this variant (Variation ID: 1064885). An algorithm developed to predict the effect of missense changes on protein structure and function (PolyPhen-2) suggests that this variant is likely to be disruptive. In summary, the available evidence is currently insufficient to determine the role of this variant in disease. Therefore, it has been classified as a Variant of Uncertain Significance.

Ambry Genetics
Classification: Uncertain significance. Last evaluated: 2021-07-09. Review status: criteria provided, single submitter. Criteria: Ambry Variant Classification Scheme 2023. Collection method: clinical testing. Allele origin: germline.

Department of Otolaryngology – Head & Neck Surgery, Cochlear Implant Center
Classification: Uncertain significance for Hearing impairment. Last evaluated: 2021-04-12. Review status: criteria provided, single submitter. Criteria: ClinGen HL ACMG Specifications v1. Collection method: clinical testing. Allele origin: germline. Affected: yes.
Comment: PM2_Supporting, PP3_Supporting

GeneDx
Classification: Likely benign. Last evaluated: 2019-12-09. Review status: criteria provided, single submitter. Criteria: GeneDx Variant Classification Process June 2021. Collection method: clinical testing. Allele origin: germline. Affected: yes.
Comment: In silico analysis, which includes protein predictors and evolutionary conservation, supports a deleterious effect; Has not been previously published as pathogenic or benign to our knowledge; Splice predictors are inconclusive as to whether the variant alters gene splicing. In the absence of RNA/functional studies, the actual effect of this sequence change is unknown.

NM_001042517.2(DIAPH3):c.1291A>G (p.Thr431Ala)

Gene: DIAPH3 (diaphanous related formin 3; minus strand). Cytogenetic location: 13q21.2.
Variant type: single nucleotide variant.
Coding change: c.1291A>G on transcript NM_001042517.2 (MANE Select); coding-DNA position 1291, A replaced by G.
Protein change: p.Thr431Ala; replaces threonine 431 with alanine.
Molecular consequence: missense variant.
Genome position (GRCh38, 1-based): chr13:59,991,228, T>C on the plus strand (A>G on the coding strand, the complement: DIAPH3 is on the minus strand). VCF-style: chr13-59991228-T-C. GRCh37 (hg19) VCF-style: chr13-60565362-T-C.
Other names: c.1258A>G, p.Thr420Ala (NM_001258366.2); c.1153A>G, p.Thr385Ala (NM_001258367.2); c.1081A>G, p.Thr361Ala (NM_001258368.2); c.1291A>G, p.Thr431Ala (NM_001258369.2); c.502A>G, p.Thr168Ala (NM_001258370.2, NM_030932.4); short protein forms T168A, T361A, T385A, T420A, T431A.
Identifiers: ClinVar variation 1064885 (VCV001064885.15), dbSNP rs746390263, ClinGen allele CA6996750.